The following is an entry in ClinVar:

ClinVar aggregate classification (germline): Uncertain significance (1 of 4 stars; one submission).

Allele frequency attached by ClinVar (database versions not stated): gnomAD exomes below 0.00001.
gnomAD v4.1: 2 of 1,613,752 alleles (0.00012%); highest among the groups gnomAD compares: South Asian, 0.0022%; no homozygotes.

Submission:

Ambry Genetics
Classification: Uncertain significance. Last evaluated: 2022-09-16. Review status: criteria provided, single submitter. Criteria: Ambry Variant Classification Scheme 2023. Collection method: clinical testing. Allele origin: germline.
Comment: The p.K1121N variant (also known as c.3363G>T), located in coding exon 17 of the NPAT gene, results from a G to T substitution at nucleotide position 3363. The lysine at codon 1121 is replaced by asparagine, an amino acid with similar properties. This amino acid position is conserved. In addition, this alteration is predicted to be tolerated by in silico analysis. Since supporting evidence is limited at this time, the clinical significance of this alteration remains unclear.

NM_002519.3(NPAT):c.3363G>T (p.Lys1121Asn)

Gene: NPAT (nuclear protein, coactivator of histone transcription; minus strand). Cytogenetic location: 11q22.3.
Variant type: single nucleotide variant.
Coding change: c.3363G>T on transcript NM_002519.3 (MANE Select); coding-DNA position 3363, G replaced by T.
Protein change: p.Lys1121Asn; replaces lysine 1121 with asparagine.
Molecular consequence: missense variant.
Genome position (GRCh38, 1-based): chr11:108,161,723, C>A on the plus strand (G>T on the coding strand, the complement: NPAT is on the minus strand). VCF-style: chr11-108161723-C-A. GRCh37 (hg19) VCF-style: chr11-108032450-C-A.
Other names: c.3384G>T, p.Lys1128Asn (NM_001321307.1); short protein forms K1121N, K1128N.
Identifiers: ClinVar variation 1730639 (VCV001730639.2), dbSNP rs2496696319, ClinGen allele CA382510969.
Genomic context (GRCh38, chr11:108,161,723, plus strand): 5'-TATGGTGGTATGCCGGCTAATGGCACTTTCCGATTTAGATAAAATCTTAGGCAGAGGAGG[C>A]TTCTCTTTCTCTCTTTTGATAGCATTATTAGAAGGGGGTTTTAAGGTGGAGGACACATTG-3'
Protein context (NP_002510.2, residues 1111-1131): SNNAIKREKE[Lys1121Asn]PPLPKILSKS